The following is an entry in ClinVar:

ClinVar aggregate classification (germline): Uncertain significance (1 of 4 stars; one submission).

Conditions:
Malignant hyperthermia, susceptibility to, 5 (MHS5). Also called: CACNA1S-Related Malignant Hyperthermia Susceptibility. Identifiers: Orphanet 423, MedGen C1866077, MONDO:0011163, OMIM 601887.

Submission:

Color Diagnostics, LLC DBA Color Health
Classification: Uncertain significance for Malignant hyperthermia, susceptibility to, 5. Last evaluated: 2025-06-29. Review status: criteria provided, single submitter. Criteria: ACMG Guidelines, 2015. Collection method: clinical testing. Allele origin: germline.
Comment: This missense variant replaces isoleucine with methionine at codon 570 of the CACNA1S protein. Computational prediction suggests that this variant may not impact protein structure and function. To our knowledge, functional studies have not been reported for this variant. This variant has not been reported in individuals affected with CACNA1S-related disorders in the literature. This variant has not been identified in the general population by the Genome Aggregation Database (gnomAD). The available evidence is insufficient to determine the role of this variant in disease conclusively. Therefore, this variant is classified as a Variant of Uncertain Significance.

NM_000069.3(CACNA1S):c.1710C>G (p.Ile570Met)

Gene: CACNA1S (calcium voltage-gated channel subunit alpha1 S; minus strand). Cytogenetic location: 1q32.1.
Variant type: single nucleotide variant.
Coding change: c.1710C>G on transcript NM_000069.3 (MANE Select); coding-DNA position 1710, C replaced by G.
Protein change: p.Ile570Met; replaces isoleucine 570 with methionine.
Molecular consequence: missense variant.
Genome position (GRCh38, 1-based): chr1:201,077,037, G>C on the plus strand (C>G on the coding strand, the complement: CACNA1S is on the minus strand). VCF-style: chr1-201077037-G-C. GRCh37 (hg19) VCF-style: chr1-201046165-G-C.
Other names: short protein forms I570M.
Identifiers: ClinVar variation 4757163 (VCV004757163.1).